The following is an entry in ClinVar:

NM_017763.6(RNF43):c.264G>A (p.Leu88=)

Gene: RNF43 (ring finger protein 43; minus strand). Cytogenetic location: 17q22.
Variant type: single nucleotide variant.
Coding change: c.264G>A on transcript NM_017763.6 (MANE Select); coding-DNA position 264, G replaced by A.
Protein change: p.Leu88=; no amino-acid change (leucine 88 retained).
Molecular consequence: synonymous variant.
Genome position (GRCh38, 1-based): chr17:58,371,022, C>T on the plus strand (G>A on the coding strand, the complement: RNF43 is on the minus strand). VCF-style: chr17-58371022-C-T. GRCh37 (hg19) VCF-style: chr17-56448383-C-T.
Other names: c.264G>A, p.Leu88= (NM_001305544.3); c.-118G>A (NM_001305545.2).
Identifiers: ClinVar variation 1165809 (VCV001165809.18), dbSNP rs146801169, ClinGen allele CA8673474.
Genomic context (GRCh38, chr17:58,371,022, plus strand): 5'-CTTGACGATGCTGATGAATCCAGGCTCCAGATTGTCGTCATCACTGGCATTGCACAGGTA[C>T]AGCGGGTGGGACTGCAGAGAGAGACAGACTTGGGTTAGGGAGGCTTTAGGCAGCAGGAGT-3'
Protein context (NP_060233.3, residues 78-98): AEGKLMQSHP[Leu88=]YLCNASDDDN

ClinVar aggregate classification (germline): Benign/Likely benign. Review status: criteria provided, multiple submitters, no conflicts (2 of 4 stars). 5 submissions from 5 submitters: Benign (2); Likely benign (3). Last evaluated 2026-06-29.

Conditions:
Sessile serrated polyposis cancer syndrome (SSPCS). Identifiers: Orphanet 157798, MedGen C4310714, MONDO:0014919, OMIM 617108.

Allele frequency attached by ClinVar (database versions not stated): gnomAD exomes 0.00011 and 0.00037; 1000 Genomes Project 30x 0.00031; 1000 Genomes Project 0.00040; ExAC 0.00050; gnomAD 0.00145 and 0.00160; ESP Exome Variant Server 0.00169; TOPMed 0.00178.
gnomAD v4.1: 374 of 1,601,026 alleles (0.023%); highest among the groups gnomAD compares: African/African-American, 0.46%; no homozygotes.

Submissions (5):

Myriad Genetics, Inc.
Classification: Benign for Sessile serrated polyposis cancer syndrome. Last evaluated: 2026-06-29. Review status: criteria provided, single submitter. Criteria: Myriad Autosomal Dominant, Autosomal Recessive and X-Linked Classification Criteria (2023). Collection method: clinical testing. Allele origin: unknown.
Comment: This variant is considered benign. This variant is a silent/synonymous amino acid change and it is not expected to impact splicing.

Center for Genomic Medicine, Rigshospitalet, Copenhagen University Hospital
Classification: Likely benign. Last evaluated: 2025-12-29. Review status: criteria provided, single submitter. Criteria: ACMG Guidelines, 2015. Collection method: clinical testing. Allele origin: germline.

Labcorp Genetics (formerly Invitae), Labcorp
Classification: Benign. Last evaluated: 2025-10-18. Review status: criteria provided, single submitter. Criteria: Invitae Variant Classification Sherloc (09022015). Collection method: clinical testing. Allele origin: germline.

CeGaT Center for Human Genetics Tuebingen
Classification: Likely benign. Last evaluated: 2025-09-01. Review status: criteria provided, single submitter. Criteria: CeGaT Center For Human Genetics Tuebingen Variant Classification Criteria Version 2. Collection method: clinical testing. Allele origin: germline. Affected: yes. Observed: 1 variant allele.
Comment: RNF43: BP4, BP7

Ambry Genetics
Classification: Likely benign. Last evaluated: 2024-08-21. Review status: criteria provided, single submitter. Criteria: Ambry Variant Classification Scheme 2023. Collection method: clinical testing. Allele origin: germline.